The following is an entry in ClinVar:

ClinVar aggregate classification (germline): Uncertain significance (1 of 4 stars; one submission).

Conditions:
Noonan syndrome 9 (NS9). Identifiers: Orphanet 648, MedGen C4225282, MONDO:0014691, OMIM 616559.

Submission:

Labcorp Genetics (formerly Invitae), Labcorp
Classification: Uncertain significance for Noonan syndrome 9. Last evaluated: 2019-06-29. Review status: criteria provided, single submitter. Criteria: Invitae Variant Classification Sherloc (09022015). Collection method: clinical testing. Allele origin: germline.
Comment: In summary, the available evidence is currently insufficient to determine the role of this variant in disease. Therefore, it has been classified as a Variant of Uncertain Significance. Experimental studies and prediction algorithms are not available or were not evaluated for this variant, and the functional significance of the affected amino acid(s) is currently unknown. This variant has not been reported in the literature in individuals with SOS2-related conditions. This variant results in a copy number gain of the genomic region encompassing exons 2-5 of the SOS2 gene. While the exact position of this variant cannot be determined from this data, sub-genic copy number gains are generally in tandem (PMID: 25640679). This variant would be expected to be in-frame, preserving the integrity of the reading frame.

Literature cited by the submitters: PubMed 25640679.

NC_000014.9:g.(?_50188487)_(50204419_?)dup

Gene: SOS2 (SOS Ras/Rho guanine nucleotide exchange factor 2; minus strand). Cytogenetic location: 14q21.3.
Variant type: Duplication.
Identifiers: ClinVar variation 832785 (VCV000832785.6).